The following is an entry in ClinVar:

ClinVar aggregate classification (germline): Uncertain significance. Review status: criteria provided, multiple submitters, no conflicts (2 of 4 stars). 2 submissions from 2 submitters: Uncertain significance (2). Last evaluated 2026-01-18.

gnomAD v4.1: 2 of 1,343,994 alleles (0.00015%); highest among the groups gnomAD compares: Non-Finnish European, 0.0002%; no homozygotes.

Submissions (2):

Labcorp Genetics (formerly Invitae), Labcorp
Classification: Uncertain significance. Last evaluated: 2026-01-18. Review status: criteria provided, single submitter. Criteria: Invitae Variant Classification Sherloc (09022015). Collection method: clinical testing. Allele origin: germline.
Comment: This sequence change replaces histidine, which is basic and polar, with arginine, which is basic and polar, at codon 1257 of the ERCC6L2 protein (p.His1257Arg). This variant is not present in population databases (gnomAD no frequency). This variant has not been reported in the literature in individuals affected with ERCC6L2-related conditions. Experimental studies and prediction algorithms are not available or were not evaluated, and the functional significance of this variant is currently unknown. In summary, the available evidence is currently insufficient to determine the role of this variant in disease. Therefore, it has been classified as a Variant of Uncertain Significance.

Blueprint Genetics
Classification: Uncertain significance. Last evaluated: 2024-08-21. Review status: criteria provided, single submitter. Criteria: ACMG Guidelines, 2015. Collection method: clinical testing. Allele origin: germline.

NM_020207.7(ERCC6L2):c.3737A>G (p.His1246Arg)

Gene: ERCC6L2 (ERCC excision repair 6 like 2; plus strand). Cytogenetic location: 9q22.32.
Variant type: single nucleotide variant.
Coding change: c.3737A>G on transcript NM_020207.7 (MANE Select); coding-DNA position 3737, A replaced by G.
Protein change: p.His1246Arg; replaces histidine 1246 with arginine.
Molecular consequence: missense variant. On other transcripts: non-coding transcript variant (1), intron variant (2).
Genome position (GRCh38, 1-based): chr9:96,012,287, A>G. VCF-style: chr9-96012287-A-G. GRCh37 (hg19) VCF-style: chr9-98774569-A-G.
Other names: c.3674+7586A>G (NM_001375291.1, NM_001375292.1); short protein forms H1246R.
Identifiers: ClinVar variation 4810480 (VCV004810480.2).